The following is an entry in ClinVar:

NM_001164508.2(NEB):c.17969_17970del (p.Lys5990fs)

Gene: NEB (nebulin; minus strand). Cytogenetic location: 2q23.3.
Variant type: Deletion.
Coding change: c.17969_17970del on transcript NM_001164508.2 (MANE Select); coding-DNA positions 17969 to 17970, 2 bases deleted (AA; older notation c.17969_17970delAA).
Protein change: p.Lys5990fs; shifts the reading frame from lysine 5990.
Molecular consequence: frameshift variant.
Genome position (GRCh38, 1-based): chr2:151,567,354-151,567,355, TT deleted on the plus strand (AA on the coding strand, the reverse complement: NEB is on the minus strand); deleting any 2 consecutive bases within chr2:151,567,354-151,567,356 gives the same sequence; the c. name uses the placement nearest the transcript's 3' end. VCF-style (leftmost placement, unchanged base first): chr2-151567353-CTT-C. GRCh37 (hg19) VCF-style: chr2-152423867-CTT-C.
Other names: c.17969_17970del, p.Lys5990fs (NM_001164507.2, NM_001271208.2); c.17968_17969delAA, p.Lys5990Argfs (NM_001271208.1); c.12866_12867del, p.Lys4289fs (NM_004543.5); short protein forms K4289fs, K5990fs.
Identifiers: ClinVar variation 4814738 (VCV004814738.1).

ClinVar aggregate classification (germline): Likely pathogenic (1 of 4 stars; one submission).

Conditions:
Nemaline myopathy 2 (NEM2). Also called: Nemaline myopathy 2, autosomal recessive. Identifiers: MedGen C1850569, MONDO:0009725, OMIM 256030.

Submission:

Natera, Inc.
Classification: Likely pathogenic for Nemaline myopathy type 2. Last evaluated: 2024-06-04. Review status: criteria provided, single submitter. Criteria: Natera Variant Classification Schema (03/2026). Collection method: clinical testing. Allele origin: germline.
Comment: The c.17969_17970del variant in NEB is a frameshift variant predicted to shift the reading frame beginning at codon 5990 and leads to a stop codon 15 codons downstream. This variant is expected to result in nonsense mediated decay, truncation, or a dysfunctional protein product. This variant is rare in the general population with a frequency below the threshold expected for the associated phenotype(s). Given the available evidence, this variant is classified as Likely Pathogenic.